The following is an entry in ClinVar:

ClinVar aggregate classification (germline): Uncertain significance (1 of 4 stars; one submission).

Conditions:
Familial adenomatous polyposis 1 (FAP1). Also called: POLYPOSIS, ADENOMATOUS INTESTINAL; FAMILIAL ADENOMATOUS POLYPOSIS 1, ATTENUATED. Identifiers: MedGen C2713442, MONDO:0021056, OMIM 175100. Disease mechanism: loss of function.

Submission:

Labcorp Genetics (formerly Invitae), Labcorp
Classification: Uncertain significance for Familial adenomatous polyposis 1. Last evaluated: 2024-10-12. Review status: criteria provided, single submitter. Criteria: Invitae Variant Classification Sherloc (09022015). Collection method: clinical testing. Allele origin: germline.
Comment: This sequence change replaces serine, which is neutral and polar, with threonine, which is neutral and polar, at codon 873 of the APC protein (p.Ser873Thr). Information on the frequency of this variant in the gnomAD database is not available, as this variant may be reported differently in the database. This variant has not been reported in the literature in individuals affected with APC-related conditions. ClinVar contains an entry for this variant (Variation ID: 658293). Experimental studies and prediction algorithms are not available or were not evaluated, and the functional significance of this variant is currently unknown. In summary, the available evidence is currently insufficient to determine the role of this variant in disease. Therefore, it has been classified as a Variant of Uncertain Significance.

NM_000038.6(APC):c.2616_2617inv (p.Ser873Thr)

Gene: APC (APC regulator of Wnt signaling pathway; plus strand). Cytogenetic location: 5q22.2.
Variant type: Inversion.
Coding change: c.2616_2617inv on transcript NM_000038.6 (MANE Select).
Protein change: p.Ser873Thr; replaces serine 873 with threonine.
Molecular consequence: missense variant.
Genome position: GRCh38 VCF-style: chr5-112838210-TT-AA. GRCh37 (hg19) VCF-style: chr5-112173907-TT-AA.
Other names: c.2616_2617inv, p.Ser873Thr (NM_001127510.3, NM_001354895.2); c.2562_2563inv, p.Ser855Thr (NM_001127511.3); c.2670_2671inv, p.Ser891Thr (NM_001354896.2); c.2646_2647inv, p.Ser883Thr (NM_001354897.2); c.2541_2542inv, p.Ser848Thr (NM_001354898.2); c.2532_2533inv, p.Ser845Thr (NM_001354899.2); c.2493_2494inv, p.Ser832Thr (NM_001354900.2); c.2439_2440inv, p.Ser814Thr (NM_001354901.2); and 5 more; short protein forms S891T, S747T, S782T, S845T, S848T, S855T, S873T, S590T.
Identifiers: ClinVar variation 658293 (VCV000658293.10), ClinGen allele CA915942623.
Genomic context (GRCh38, chr5:112,838,210, plus strand): 5'-GGAGAGAGAACGCGGAATTGGTCTAGGCAACTACCATCCAGCAACAGAAAATCCAGGAAC[TT>AA]CTTCAAAGCGAGGTTTGCAGATCTCCACCACTGCAGCCCAGATTGCCAAAGTCATGGAAG-3'
Protein context (NP_000029.2, residues 863-883): YHPATENPGT[Ser873Thr]SKRGLQISTT